The following is an entry in ClinVar:

ClinVar aggregate classification (germline): Uncertain significance (1 of 4 stars; one submission).

Allele frequency attached by ClinVar (database versions not stated): gnomAD exomes below 0.00001.
gnomAD v4.1: 2 of 1,517,388 alleles (0.00013%); highest among the groups gnomAD compares: Non-Finnish European, 0.00018%; no homozygotes.

Submission:

Labcorp Genetics (formerly Invitae), Labcorp
Classification: Uncertain significance. Last evaluated: 2024-10-15. Review status: criteria provided, single submitter. Criteria: Invitae Variant Classification Sherloc (09022015). Collection method: clinical testing. Allele origin: germline.
Comment: This sequence change replaces alanine, which is neutral and non-polar, with threonine, which is neutral and polar, at codon 887 of the TUBGCP6 protein (p.Ala887Thr). This variant is not present in population databases (gnomAD no frequency). This variant has not been reported in the literature in individuals affected with TUBGCP6-related conditions. ClinVar contains an entry for this variant (Variation ID: 2032665). An algorithm developed to predict the effect of missense changes on protein structure and function (PolyPhen-2) suggests that this variant is likely to be tolerated. In summary, the available evidence is currently insufficient to determine the role of this variant in disease. Therefore, it has been classified as a Variant of Uncertain Significance.

NM_020461.4(TUBGCP6):c.2659G>A (p.Ala887Thr)

Gene: TUBGCP6 (tubulin gamma complex component 6; minus strand). Cytogenetic location: 22q13.33.
Variant type: single nucleotide variant.
Coding change: c.2659G>A on transcript NM_020461.4 (MANE Select); coding-DNA position 2659, G replaced by A.
Protein change: p.Ala887Thr; replaces alanine 887 with threonine.
Molecular consequence: missense variant.
Genome position (GRCh38, 1-based): chr22:50,221,700, C>T on the plus strand (G>A on the coding strand, the complement: TUBGCP6 is on the minus strand). VCF-style: chr22-50221700-C-T. GRCh37 (hg19) VCF-style: chr22-50660129-C-T.
Other names: short protein forms A887T.
Identifiers: ClinVar variation 2032665 (VCV002032665.4), dbSNP rs2519138926, ClinGen allele CA412096772.
Genomic context (GRCh38, chr22:50,221,700, plus strand): 5'-CAGCCCCTGGGCCCACAGGTAGGAAGTCTCCAATGCTGAGGCTGTCAGAGAAGGGTCTGG[C>T]CCCCTCCGCCTGCTGCAGCCCCCTGCCACCAGCCCCCACTGCTAGAGGCTTAAGGGGCTG-3'
Protein context (NP_065194.3, residues 877-897): GGRGLQQAEG[Ala887Thr]RPFSDSLSIG